The following is an entry in ClinVar:

NM_001386298.1(CIC):c.17del (p.Lys6fs)

Gene: CIC (capicua transcriptional repressor; plus strand). Cytogenetic location: 19q13.2.
Variant type: Deletion.
Coding change: c.17del on transcript NM_001386298.1 (MANE Select); coding-DNA position 17, one base deleted (A; older notation c.17delA).
Protein change: p.Lys6fs; shifts the reading frame from lysine 6.
Molecular consequence: frameshift variant.
Genome position (GRCh38, 1-based): chr19:42,271,800, A deleted; the last of 2 consecutive A bases (chr19:42,271,799-42,271,800); deleting either gives the same sequence. VCF-style (leftmost placement, unchanged base first): chr19-42271798-GA-G. GRCh37 (hg19) VCF-style: chr19-42775950-GA-G.
Other names: c.17del, p.Lys6fs (NM_001304815.2, NM_001379480.1, NM_001379482.1 and 6 more transcripts); short protein forms K6fs.
Identifiers: ClinVar variation 4538394 (VCV004538394.1).

ClinVar aggregate classification (germline): Uncertain significance (1 of 4 stars; one submission).

Submission:

Greenwood Genetic Center Diagnostic Laboratories, Greenwood Genetic Center
Classification: Uncertain significance. Last evaluated: 2025-04-24. Review status: criteria provided, single submitter. Criteria: ACMG Guidelines, 2015. Collection method: clinical testing. Allele origin: germline. Affected: yes.
Comment: PM2